The following is an entry in ClinVar:

NM_014727.3(KMT2B):c.6245_6266del (p.Gly2082fs)

Gene: KMT2B (lysine methyltransferase 2B; plus strand). Cytogenetic location: 19q13.12.
Variant type: Deletion.
Coding change: c.6245_6266del on transcript NM_014727.3 (MANE Select); coding-DNA positions 6245 to 6266, 22 bases deleted (GCACGCCTCCTTCGGGGCCAGG).
Protein change: p.Gly2082fs; shifts the reading frame from glycine 2082.
Molecular consequence: frameshift variant.
Genome position (GRCh38, 1-based): chr19:35,732,794-35,732,815, GCACGCCTCCTTCGGGGCCAGG deleted; deleting any 22 consecutive bases within chr19:35,732,783-35,732,815 gives the same sequence; the c. name uses the placement nearest the transcript's 3' end. VCF-style (leftmost placement, unchanged base first): chr19-35732782-CTCGGGGCCAGGGCACGCCTCCT-C. GRCh37 (hg19) VCF-style: chr19-36223683-CTCGGGGCCAGGGCACGCCTCCT-C.
Other names: short protein forms G2082fs.
Identifiers: ClinVar variation 2710555 (VCV002710555.3), dbSNP rs1555732987, ClinGen allele CA2697556450.

ClinVar aggregate classification (germline): Pathogenic (1 of 4 stars; one submission).

Submission:

Labcorp Genetics (formerly Invitae), Labcorp
Classification: Pathogenic. Last evaluated: 2024-01-21. Review status: criteria provided, single submitter. Criteria: Invitae Variant Classification Sherloc (09022015). Collection method: clinical testing. Allele origin: germline.
Comment: This sequence change creates a premature translational stop signal (p.Gly2082Glufs*2) in the KMT2B gene. It is expected to result in an absent or disrupted protein product. Loss-of-function variants in KMT2B are known to be pathogenic (PMID: 27839873, 27992417). This variant is not present in population databases (gnomAD no frequency). This variant has not been reported in the literature in individuals affected with KMT2B-related conditions. For these reasons, this variant has been classified as Pathogenic.

Literature cited by the submitters: PubMed 27839873; PubMed 27992417.